The following is an entry in ClinVar:

NM_001148.6(ANK2):c.10229A>G (p.Tyr3410Cys)

Gene: ANK2 (ankyrin 2; plus strand). Cytogenetic location: 4q26.
Variant type: single nucleotide variant.
Coding change: c.10229A>G on transcript NM_001148.6 (MANE Select); coding-DNA position 10229, A replaced by G.
Protein change: p.Tyr3410Cys; replaces tyrosine 3410 with cysteine.
Molecular consequence: missense variant. On other transcripts: intron variant (68).
Genome position (GRCh38, 1-based): chr4:113,358,847, A>G. VCF-style: chr4-113358847-A-G. GRCh37 (hg19) VCF-style: chr4-114280003-A-G.
Other names: c.9995A>G, p.Tyr3332Cys (NM_001386142.1); c.6629A>G, p.Tyr2210Cys (NM_001386166.1); c.10370A>G, p.Tyr3457Cys (NM_001386174.1); c.10346A>G, p.Tyr3449Cys (NM_001386175.1); c.4412-1976A>G (NM_001386186.2, NM_001386148.2); c.4214-1976A>G (NM_001354269.3); c.4292-1976A>G (NM_001386187.2); c.4253-1976A>G (NM_001386147.1); and 35 more; short protein forms Y3410C, Y2210C, Y3332C, Y3449C, Y3457C.
Identifiers: ClinVar variation 1762983 (VCV001762983.6), dbSNP rs752598077, ClinGen allele CA3052043.

ClinVar aggregate classification (germline): Uncertain significance. Review status: criteria provided, multiple submitters, no conflicts (2 of 4 stars). 4 submissions from 4 submitters: Uncertain significance (4). Last evaluated 2024-09-27.

Conditions:
Long QT syndrome (LQTS). Identifiers: MedGen C0023976, MeSH D008133, MONDO:0002442. Disease mechanism: loss of function. Inheritance: Various modes of inheritance.
Cardiovascular phenotype. Identifiers: MedGen CN230736.

Allele frequency attached by ClinVar (database versions not stated): gnomAD exomes below 0.00001; ExAC 0.00002; TOPMed 0.00004; gnomAD 0.00008.
gnomAD v4.1: 19 of 1,614,030 alleles (0.0012%); highest among the groups gnomAD compares: African/African-American, 0.023%; no homozygotes.

Submissions (4):

Women's Health and Genetics/Laboratory Corporation of America, LabCorp
Classification: Uncertain significance. Last evaluated: 2024-09-27. Review status: criteria provided, single submitter. Criteria: LabCorp Variant Classification Summary - May 2015. Collection method: clinical testing. Allele origin: germline.
Comment: Variant summary: ANK2 c.10229A>G (p.Tyr3410Cys) results in a non-conservative amino acid change in the encoded protein sequence. Four of five in-silico tools predict a benign effect of the variant on protein function. The variant allele was found at a frequency of 1.6e-05 in 250728 control chromosomes. The available data on variant occurrences in the general population are insufficient to allow any conclusion about variant significance. To our knowledge, no occurrence of c.10229A>G in individuals affected with Arrhythmia and no experimental evidence demonstrating its impact on protein function have been reported. ClinVar contains an entry for this variant (Variation ID: 1762983). Based on the evidence outlined above, the variant was classified as uncertain significance.

GeneDx
Classification: Uncertain significance. Last evaluated: 2024-01-19. Review status: criteria provided, single submitter. Criteria: GeneDx Variant Classification Process June 2021. Collection method: clinical testing. Allele origin: germline. Affected: yes.
Comment: Has not been previously published as pathogenic or benign to our knowledge; In silico analysis supports that this missense variant has a deleterious effect on protein structure/function

Labcorp Genetics (formerly Invitae), Labcorp
Classification: Uncertain significance for Long QT syndrome. Last evaluated: 2023-02-16. Review status: criteria provided, single submitter. Criteria: Invitae Variant Classification Sherloc (09022015). Collection method: clinical testing. Allele origin: germline.
Comment: In summary, the available evidence is currently insufficient to determine the role of this variant in disease. Therefore, it has been classified as a Variant of Uncertain Significance. Algorithms developed to predict the effect of missense changes on protein structure and function output the following: SIFT: "Not Available"; PolyPhen-2: "Benign"; Align-GVGD: "Not Available". The cysteine amino acid residue is found in multiple mammalian species, which suggests that this missense change does not adversely affect protein function. ClinVar contains an entry for this variant (Variation ID: 1762983). This variant has not been reported in the literature in individuals affected with ANK2-related conditions. This variant is present in population databases (rs752598077, gnomAD 0.03%). This sequence change replaces tyrosine, which is neutral and polar, with cysteine, which is neutral and slightly polar, at codon 3410 of the ANK2 protein (p.Tyr3410Cys).

Ambry Genetics
Classification: Uncertain significance for Cardiovascular phenotype. Last evaluated: 2022-04-22. Review status: criteria provided, single submitter. Criteria: Ambry Variant Classification Scheme 2023. Collection method: clinical testing. Allele origin: germline.